The following is an entry in ClinVar:

ClinVar aggregate classification (germline): Benign/Likely benign. Review status: criteria provided, multiple submitters, no conflicts (2 of 4 stars). 3 submissions from 3 submitters: Benign (2); Likely benign (1). Last evaluated 2026-01-25.

Conditions:
VPS13A-related neurodegenerative disease. Also called: VPS13A Disease; Choreaacanthocytosis; Chorea-acanthocytosis; LEVINE-CRITCHLEY SYNDROME; Choreoacanthocytosis; ACANTHOCYTOSIS WITH NEUROLOGIC DISORDER. Identifiers: Orphanet 2388, MedGen C0393576, MONDO:0008695, OMIM 200150.

Allele frequency attached by ClinVar (database versions not stated): gnomAD exomes 0.00059 and 0.00157; ExAC 0.00184; 1000 Genomes Project 30x 0.00453; 1000 Genomes Project 0.00499; ESP Exome Variant Server 0.00561; gnomAD 0.00579 and 0.00639; TOPMed 0.00694.
gnomAD v4.1: 1,785 of 1,608,824 alleles (0.11%); highest among the groups gnomAD compares: African/African-American, 2.1%; 26 homozygotes.

Submissions (3):

Labcorp Genetics (formerly Invitae), Labcorp
Classification: Benign. Last evaluated: 2026-01-25. Review status: criteria provided, single submitter. Criteria: Invitae Variant Classification Sherloc (09022015). Collection method: clinical testing. Allele origin: germline.

GeneDx
Classification: Likely benign. Last evaluated: 2018-12-24. Review status: criteria provided, single submitter. Criteria: GeneDx Variant Classification Process June 2021. Collection method: clinical testing. Allele origin: germline. Affected: yes.

Illumina Laboratory Services, Illumina
Classification: Benign for VPS13A-related neurodegenerative disease. Last evaluated: 2018-01-13. Review status: criteria provided, single submitter. Criteria: ICSL Variant Classification Criteria 13 December 2019. Collection method: clinical testing. Allele origin: germline.
Comment: This variant was observed in the ICSL laboratory as part of a predisposition screen in an ostensibly healthy population. It had not been previously curated by ICSL or reported in the Human Gene Mutation Database (HGMD: prior to June 1st, 2018), and was therefore a candidate for classification through an automated scoring system. Utilizing variant allele frequency, disease prevalence and penetrance estimates, and inheritance mode, an automated score was calculated to assess if this variant is too frequent to cause the disease. Based on the score and internal cut-off values, a variant classified as benign is not then subjected to further curation. The score for this variant resulted in a classification of benign for this disease.

NM_033305.3(VPS13A):c.3813-15T>C

Gene: VPS13A (vacuolar protein sorting 13 homolog A; plus strand). Cytogenetic location: 9q21.2.
Variant type: single nucleotide variant.
Coding change: c.3813-15T>C on transcript NM_033305.3 (MANE Select); 15 bases into the intron before coding-DNA position 3813, T replaced by C.
Molecular consequence: intron variant.
Genome position (GRCh38, 1-based): chr9:77,302,900, T>C. VCF-style: chr9-77302900-T-C. GRCh37 (hg19) VCF-style: chr9-79917816-T-C.
Other names: c.3696-15T>C (NM_001018037.2); c.3813-15T>C (NM_015186.4, NM_001018038.3).
Identifiers: ClinVar variation 915140 (VCV000915140.14), dbSNP rs145835861, ClinGen allele CA5092351.